The following is an entry in ClinVar:

NM_003921.5(BCL10):c.530T>G (p.Leu177Arg)

Gene: BCL10 (BCL10 immune signaling adaptor; minus strand). Cytogenetic location: 1p22.3.
Variant type: single nucleotide variant.
Coding change: c.530T>G on transcript NM_003921.5 (MANE Select); coding-DNA position 530, T replaced by G.
Protein change: p.Leu177Arg; replaces leucine 177 with arginine.
Molecular consequence: missense variant.
Genome position (GRCh38, 1-based): chr1:85,267,799, A>C on the plus strand (T>G on the coding strand, the complement: BCL10 is on the minus strand). VCF-style: chr1-85267799-A-C. GRCh37 (hg19) VCF-style: chr1-85733482-A-C.
Other names: c.497T>G, p.Leu166Arg (NM_001320715.2); short protein forms L166R, L177R.
Identifiers: ClinVar variation 862382 (VCV000862382.7), dbSNP rs1038881728, ClinGen allele CA25620908.

ClinVar aggregate classification (germline): Uncertain significance (1 of 4 stars; one submission).

Conditions:
Immunodeficiency 37 (IMD37). Identifiers: MedGen C4015195, MONDO:0014491, OMIM 616098.

Allele frequency attached by ClinVar (database versions not stated): TOPMed 0.00002.

Submission:

Labcorp Genetics (formerly Invitae), Labcorp
Classification: Uncertain significance for Immunodeficiency 37. Last evaluated: 2021-08-27. Review status: criteria provided, single submitter. Criteria: Invitae Variant Classification Sherloc (09022015). Collection method: clinical testing. Allele origin: germline.
Comment: This sequence change replaces leucine with arginine at codon 177 of the BCL10 protein (p.Leu177Arg). The leucine residue is moderately conserved and there is a moderate physicochemical difference between leucine and arginine. This variant is not present in population databases (ExAC no frequency). This variant has not been reported in the literature in individuals affected with BCL10-related conditions. Algorithms developed to predict the effect of missense changes on protein structure and function (SIFT, PolyPhen-2, Align-GVGD) all suggest that this variant is likely to be tolerated. In summary, the available evidence is currently insufficient to determine the role of this variant in disease. Therefore, it has been classified as a Variant of Uncertain Significance.